The following is an entry in ClinVar:

ClinVar aggregate classification (germline): Benign/Likely benign. Review status: criteria provided, multiple submitters, no conflicts (2 of 4 stars). 6 submissions from 6 submitters: Benign (3); Likely benign (3). Last evaluated 2026-01-28.

Conditions:
Ehlers-Danlos syndrome (EDS). Identifiers: Orphanet 98249, MedGen C0013720, MONDO:0020066.
Ehlers-Danlos syndrome due to tenascin-X deficiency (EDSCLL1). Also called: TNX DEFICIENCY; EHLERS-DANLOS SYNDROME, CLASSIC-LIKE; TNXB-Related Classical-Like Ehlers-Danlos Syndrome; Ehlers-Danlos syndrome, classic-like, 1; EDS DUE TO TNX DEFICIENCY. Identifiers: Orphanet 230839, MedGen C1848029, MONDO:0011670, OMIM 606408.
Vesicoureteral reflux 8 (VUR8). Identifiers: Orphanet 289365, MedGen C4014831, MONDO:0014422, OMIM 615963.
Cardiovascular phenotype. Identifiers: MedGen CN230736.

Allele frequency attached by ClinVar (database versions not stated): 1000 Genomes Project 0.00160; 1000 Genomes Project 30x 0.00219.
gnomAD v4.1: 1,139 of 1,612,374 alleles (0.071%); highest among the groups gnomAD compares: East Asian, 2.5%; 30 homozygotes.

Submissions (6):

Labcorp Genetics (formerly Invitae), Labcorp
Classification: Benign. Last evaluated: 2026-01-28. Review status: criteria provided, single submitter. Criteria: Invitae Variant Classification Sherloc (09022015). Collection method: clinical testing. Allele origin: germline.

Mayo Clinic Laboratories, Mayo Clinic
Classification: Benign. Last evaluated: 2024-08-21. Review status: criteria provided, single submitter. Criteria: ACMG Guidelines, 2015. Collection method: clinical testing. Allele origin: germline. Observed: 4 variant alleles.
Comment: BA1

Ambry Genetics
Classification: Likely benign for Cardiovascular phenotype. Last evaluated: 2022-12-15. Review status: criteria provided, single submitter. Criteria: Ambry Variant Classification Scheme 2023. Collection method: clinical testing. Allele origin: germline.

Fulgent Genetics
Classification: Likely benign for Ehlers-Danlos syndrome due to tenascin-X deficiency; Vesicoureteral reflux 8. Last evaluated: 2021-08-27. Review status: criteria provided, single submitter. Criteria: ACMG Guidelines, 2015. Collection method: clinical testing. Allele origin: unknown.

GeneDx
Classification: Benign. Last evaluated: 2019-01-17. Review status: criteria provided, single submitter. Criteria: GeneDx Variant Classification Process June 2021. Collection method: clinical testing. Allele origin: germline. Affected: yes.

Genome Diagnostics Laboratory, The Hospital for Sick Children
Classification: Likely benign for Ehlers-Danlos syndrome. Last evaluated: 2019-01-01. Review status: criteria provided, single submitter. Criteria: ACMG Guidelines, 2015. Collection method: clinical testing. Allele origin: germline.

NM_001365276.2(TNXB):c.5442C>G (p.Asp1814Glu)

Gene: TNXB (tenascin XB; minus strand). Cytogenetic location: 6p21.33.
Variant type: single nucleotide variant.
Coding change: c.5442C>G on transcript NM_001365276.2 (MANE Select); coding-DNA position 5442, C replaced by G.
Protein change: p.Asp1814Glu; replaces aspartic acid 1814 with glutamic acid.
Molecular consequence: missense variant.
Genome position (GRCh38, 1-based): chr6:32,069,698, G>C on the plus strand (C>G on the coding strand, the complement: TNXB is on the minus strand). VCF-style: chr6-32069698-G-C. GRCh37 (hg19) VCF-style: chr6-32037475-G-C.
Other names: p.Asp1814Glu; c.5442C>G, p.Asp1814Glu (NM_019105.8); short protein forms D1814E.
Identifiers: ClinVar variation 1226831 (VCV001226831.11), dbSNP rs181025235, ClinGen allele CA3734712.